The following is an entry in ClinVar:

NM_005359.6(SMAD4):c.1103C>T (p.Ser368Phe)

Gene: SMAD4 (SMAD family member 4; plus strand). Cytogenetic location: 18q21.2.
Variant type: single nucleotide variant.
Coding change: c.1103C>T on transcript NM_005359.6 (MANE Select); coding-DNA position 1103, C replaced by T.
Protein change: p.Ser368Phe; replaces serine 368 with phenylalanine.
Molecular consequence: missense variant.
Genome position (GRCh38, 1-based): chr18:51,065,570, C>T. VCF-style: chr18-51065570-C-T. GRCh37 (hg19) VCF-style: chr18-48591940-C-T.
Other names: short protein forms S368F.
Identifiers: ClinVar variation 859960 (VCV000859960.11), dbSNP rs1910125223, ClinGen allele CA402464468.

ClinVar aggregate classification (germline): Uncertain significance. Review status: criteria provided, multiple submitters, no conflicts (2 of 4 stars). 2 submissions from 2 submitters: Uncertain significance (2). Last evaluated 2025-02-26.

Conditions:
Familial thoracic aortic aneurysm and aortic dissection (TAAD). Also called: Thoracic aortic aneurysms and dissections. Identifiers: Orphanet 91387, MedGen C4707243, MONDO:0019625.
Hereditary cancer-predisposing syndrome. Also called: Hereditary neoplastic syndrome; Tumor predisposition; Neoplastic Syndromes, Hereditary; Hereditary Cancer Syndrome. Identifiers: Orphanet 140162, MedGen C0027672, MeSH D009386, MONDO:0015356.
Juvenile polyposis syndrome (JPS). Identifiers: Orphanet 2929, MedGen C0345893, MONDO:0017380, OMIM 174900.

Submissions (2):

Ambry Genetics
Classification: Uncertain significance for Hereditary cancer-predisposing syndrome; Familial thoracic aortic aneurysm and aortic dissection. Last evaluated: 2025-02-26. Review status: criteria provided, single submitter. Criteria: Ambry Variant Classification Scheme 2023. Collection method: clinical testing. Allele origin: germline.
Comment: The p.S368F variant (also known as c.1103C>T), located in coding exon 8 of the SMAD4 gene, results from a C to T substitution at nucleotide position 1103. The serine at codon 368 is replaced by phenylalanine, an amino acid with highly dissimilar properties. This amino acid position is highly conserved in available vertebrate species. In addition, this alteration is predicted to be deleterious by in silico analysis. Based on the available evidence, the clinical significance of this variant remains unclear.

Labcorp Genetics (formerly Invitae), Labcorp
Classification: Uncertain significance for Juvenile polyposis syndrome. Last evaluated: 2019-02-14. Review status: criteria provided, single submitter. Criteria: Invitae Variant Classification Sherloc (09022015). Collection method: clinical testing. Allele origin: germline.
Comment: This sequence change replaces serine with phenylalanine at codon 368 of the SMAD4 protein (p.Ser368Phe). The serine residue is highly conserved and there is a large physicochemical difference between serine and phenylalanine. In summary, the available evidence is currently insufficient to determine the role of this variant in disease. Therefore, it has been classified as a Variant of Uncertain Significance. Algorithms developed to predict the effect of missense changes on protein structure and function (SIFT, PolyPhen-2, Align-GVGD) all suggest that this variant is likely to be disruptive, but these predictions have not been confirmed by published functional studies and their clinical significance is uncertain. This variant has not been reported in the literature in individuals with SMAD4-related conditions. This variant is not present in population databases (ExAC no frequency).